The following is an entry in ClinVar:

NM_000260.4(MYO7A):c.1621C>G (p.Pro541Ala)

Gene: MYO7A (myosin VIIA; plus strand). Cytogenetic location: 11q13.5.
Variant type: single nucleotide variant.
Coding change: c.1621C>G on transcript NM_000260.4 (MANE Select); coding-DNA position 1621, C replaced by G.
Protein change: p.Pro541Ala; replaces proline 541 with alanine.
Molecular consequence: missense variant.
Genome position (GRCh38, 1-based): chr11:77,162,919, C>G. VCF-style: chr11-77162919-C-G. GRCh37 (hg19) VCF-style: chr11-76873965-C-G.
Other names: c.1621C>G (NM_000260.3); c.1621C>G, p.Pro541Ala (NM_001127180.2); c.1588C>G, p.Pro530Ala (NM_001369365.1); short protein forms P530A, P541A.
Identifiers: ClinVar variation 2897615 (VCV002897615.4), dbSNP rs781843594, ClinGen allele CA6197536.

ClinVar aggregate classification (germline): Uncertain significance. Review status: criteria provided, multiple submitters, no conflicts (2 of 4 stars). 3 submissions from 3 submitters: Uncertain significance (3). Last evaluated 2025-08-27.

Conditions:
Inborn genetic diseases. Identifiers: MedGen C0950123, MeSH D030342.

gnomAD v4.1: 11 of 1,613,734 alleles (0.00068%); highest among the groups gnomAD compares: South Asian, 0.0011%; no homozygotes.

Submissions (3):

Ambry Genetics
Classification: Uncertain significance for Inborn genetic diseases. Last evaluated: 2025-08-27. Review status: criteria provided, single submitter. Criteria: Ambry Variant Classification Scheme 2023. Collection method: clinical testing. Allele origin: germline.

Labcorp Genetics (formerly Invitae), Labcorp
Classification: Uncertain significance. Last evaluated: 2024-01-26. Review status: criteria provided, single submitter. Criteria: Invitae Variant Classification Sherloc (09022015). Collection method: clinical testing. Allele origin: germline.
Comment: This sequence change replaces proline, which is neutral and non-polar, with alanine, which is neutral and non-polar, at codon 541 of the MYO7A protein (p.Pro541Ala). This variant is present in population databases (rs781843594, gnomAD 0.0009%). This variant has not been reported in the literature in individuals affected with MYO7A-related conditions. Advanced modeling of protein sequence and biophysical properties (such as structural, functional, and spatial information, amino acid conservation, physicochemical variation, residue mobility, and thermodynamic stability) performed at Invitae indicates that this missense variant is not expected to disrupt MYO7A protein function with a negative predictive value of 95%. In summary, the available evidence is currently insufficient to determine the role of this variant in disease. Therefore, it has been classified as a Variant of Uncertain Significance.

Blueprint Genetics
Classification: Uncertain significance. Last evaluated: 2021-08-11. Review status: criteria provided, single submitter. Criteria: ACMG Guidelines, 2015. Collection method: clinical testing. Allele origin: germline.